The following is an entry in ClinVar:

ClinVar aggregate classification (germline): Benign/Likely benign. Review status: criteria provided, multiple submitters, no conflicts (2 of 4 stars). 7 submissions from 7 submitters: Benign (1); Likely benign (6). Last evaluated 2026-06-01.

Conditions:
Oto-palato-digital syndrome, type II (OPD2). Also called: FACIOPALATOOSSEOUS SYNDROME; OPD II SYNDROME; Otopalatodigital Syndrome Type 2 (FLNA-OPD2); Otopalatodigital Syndrome, Type II. Identifiers: Orphanet 669, Orphanet 90652, MedGen C1844696, MONDO:0010571, OMIM 304120.
Melnick-Needles syndrome (MNS). Also called: OSTEODYSPLASTY OF MELNICK AND NEEDLES; Melnick-Needles Syndrome (FLNA-MNS); MELNICK-NEEDLES OSTEODYSPLASTY. Identifiers: Orphanet 2484, MedGen C0025237, MONDO:0010650, OMIM 309350.
Frontometaphyseal dysplasia (FMD1). Identifiers: Orphanet 1826, MedGen C0265293, MONDO:0015942.
Heterotopia, periventricular, X-linked dominant (PVNH1). Also called: PERIVENTRICULAR NODULAR HETEROTOPIA 4; HETEROTOPIA, PERIVENTRICULAR, 1; PERIVENTRICULAR NODULAR HETEROTOPIA 1; X-linked periventricular heterotopia. Identifiers: Orphanet 2149, Orphanet 82004, MedGen C1848213, MONDO:0010233, OMIM 300049.
Connective tissue disorder. Also called: Connective tissue disease. Identifiers: MedGen C0009782, MONDO:0003900.
Familial thoracic aortic aneurysm and aortic dissection (TAAD). Also called: Thoracic aortic aneurysms and dissections. Identifiers: Orphanet 91387, MedGen C4707243, MONDO:0019625.

Allele frequency attached by ClinVar (database versions not stated): gnomAD exomes 0.00004; ExAC 0.00005; gnomAD 0.00005 and 0.00006; TOPMed 0.00008.
gnomAD v4.1: 134 of 1,205,764 alleles (0.011%); highest among the groups gnomAD compares: Non-Finnish European, 0.014%; no homozygotes.

Submissions (7):

CeGaT Center for Human Genetics Tuebingen
Classification: Likely benign. Last evaluated: 2026-06-01. Review status: criteria provided, single submitter. Criteria: CeGaT Center For Human Genetics Tuebingen Variant Classification Criteria Version 2. Collection method: clinical testing. Allele origin: germline. Affected: yes. Observed: 1 variant allele.
Comment: FLNA: BP4, BP7, BS2

Labcorp Genetics (formerly Invitae), Labcorp
Classification: Benign for Oto-palato-digital syndrome, type II; Heterotopia, periventricular, X-linked dominant; Frontometaphyseal dysplasia; Melnick-Needles syndrome. Last evaluated: 2026-01-12. Review status: criteria provided, single submitter. Criteria: Invitae Variant Classification Sherloc (09022015). Collection method: clinical testing. Allele origin: germline.

Women's Health and Genetics/Laboratory Corporation of America, LabCorp
Classification: Likely benign. Last evaluated: 2025-01-17. Review status: criteria provided, single submitter. Criteria: LabCorp Variant Classification Summary - May 2015. Collection method: clinical testing. Allele origin: germline.

Blueprint Genetics
Classification: Likely benign. Last evaluated: 2024-08-30. Review status: criteria provided, single submitter. Criteria: ACMG Guidelines, 2015. Collection method: clinical testing. Allele origin: germline.

GeneDx
Classification: Likely benign. Last evaluated: 2020-08-04. Review status: criteria provided, single submitter. Criteria: GeneDx Variant Classification Process June 2021. Collection method: clinical testing. Allele origin: germline. Affected: yes.

Center for Human Genetics, Inc
Classification: Likely benign for Connective tissue disorder. Last evaluated: 2018-06-01. Review status: criteria provided, single submitter. Criteria: ACMG Guidelines, 2015. Collection method: clinical testing. Allele origin: germline. Affected: yes.

Ambry Genetics
Classification: Likely benign for Familial thoracic aortic aneurysm and aortic dissection. Last evaluated: 2015-12-30. Review status: criteria provided, single submitter. Criteria: Ambry Variant Classification Scheme 2023. Collection method: clinical testing. Allele origin: germline.

NM_001110556.2(FLNA):c.6936C>T (p.Asn2312=)

Gene: FLNA (filamin A; minus strand). Cytogenetic location: Xq28.
Variant type: single nucleotide variant.
Coding change: c.6936C>T on transcript NM_001110556.2 (MANE Select); coding-DNA position 6936, C replaced by T.
Protein change: p.Asn2312=; no amino-acid change (asparagine 2312 retained).
Molecular consequence: synonymous variant.
Genome position (GRCh38, 1-based): chrX:154,351,668, G>A on the plus strand (C>T on the coding strand, the complement: FLNA is on the minus strand). VCF-style: chrX-154351668-G-A. GRCh37 (hg19) VCF-style: chrX-153580036-G-A.
Other names: c.6912C>T, p.Asn2304= (NM_001456.4).
Identifiers: ClinVar variation 264582 (VCV000264582.24), dbSNP rs201203814, ClinGen allele CA10559987.
Genomic context (GRCh38, chrX:154,351,668, plus strand): 5'-GGCGTCGCCAGACGGAGAAGCCACAGGCACCACGAAGGGGCTGTCGGGAATGTGTTCCTC[G>A]TTGAACTTGACTGAGACTTCGTAGTCACCTGGGCAGGGAAAGAGTGTAAGACCGGCTCAT-3'
Protein context (NP_001104026.1, residues 2302-2322): PGDYEVSVKF[Asn2312=]EEHIPDSPFV